The following is an entry in ClinVar:

ClinVar aggregate classification (germline): Likely benign. Review status: criteria provided, single submitter (1 of 4 stars). 2 submissions from 2 submitters: Likely benign (1). 1 of the submissions does not count toward it. Last evaluated 2025-03-29.

Conditions:
ADCY3-related disorder. Also called: ADCY3-related condition.

gnomAD v4.1: 74 of 1,610,540 alleles (0.0046%); highest among the groups gnomAD compares: Middle Eastern, 0.05%; no homozygotes.

Submissions (2):

Labcorp Genetics (formerly Invitae), Labcorp
Classification: Likely benign. Last evaluated: 2025-03-29. Review status: criteria provided, single submitter. Criteria: Invitae Variant Classification Sherloc (09022015). Collection method: clinical testing. Allele origin: germline.

PreventionGenetics, part of Exact Sciences
Classification: Likely benign for ADCY3-related condition. Last evaluated: 2024-06-24. Review status: no assertion criteria provided. Collection method: clinical testing. Allele origin: germline. Not counted in ClinVar's aggregate classification.
Comment: This variant is classified as likely benign based on ACMG/AMP sequence variant interpretation guidelines (Richards et al. 2015 PMID: 25741868, with internal and published modifications).

NM_004036.5(ADCY3):c.1069-8C>T

Gene: ADCY3 (adenylate cyclase 3; minus strand). Cytogenetic location: 2p23.3.
Variant type: single nucleotide variant.
Coding change: c.1069-8C>T on transcript NM_004036.5 (MANE Select); 8 bases into the intron before coding-DNA position 1069, C replaced by T.
Molecular consequence: intron variant.
Genome position (GRCh38, 1-based): chr2:24,841,394, G>A on the plus strand (C>T on the coding strand, the complement: ADCY3 is on the minus strand). VCF-style: chr2-24841394-G-A. GRCh37 (hg19) VCF-style: chr2-25064263-G-A.
Other names: c.1069-8C>T (NM_001377130.1, NM_001377129.1, NM_001320613.2 and 2 more transcripts); c.346-8C>T (NM_001377131.1).
Identifiers: ClinVar variation 3357222 (VCV003357222.2).